The following is an entry in ClinVar:

NM_032217.5(ANKRD17):c.6542C>T (p.Pro2181Leu)

Gene: ANKRD17 (ankyrin repeat domain 17; minus strand). Cytogenetic location: 4q13.3.
Variant type: single nucleotide variant.
Coding change: c.6542C>T on transcript NM_032217.5 (MANE Select); coding-DNA position 6542, C replaced by T.
Protein change: p.Pro2181Leu; replaces proline 2181 with leucine.
Molecular consequence: missense variant.
Genome position (GRCh38, 1-based): chr4:73,091,086, G>A on the plus strand (C>T on the coding strand, the complement: ANKRD17 is on the minus strand). VCF-style: chr4-73091086-G-A. GRCh37 (hg19) VCF-style: chr4-73956803-G-A.
Other names: c.6203C>T, p.Pro2068Leu (NM_001286771.3); c.6539C>T, p.Pro2180Leu (NM_015574.2); c.5789C>T, p.Pro1930Leu (NM_198889.3); short protein forms P1930L, P2068L, P2180L, P2181L.
Identifiers: ClinVar variation 4535745 (VCV004535745.1).

ClinVar aggregate classification (germline): Uncertain significance (1 of 4 stars; one submission).

Submission:

Women's Health and Genetics/Laboratory Corporation of America, LabCorp
Classification: Uncertain significance. Last evaluated: 2025-09-05. Review status: criteria provided, single submitter. Criteria: LabCorp Variant Classification Summary - May 2015. Collection method: clinical testing. Allele origin: germline.
Comment: Variant summary: ANKRD17 c.6542C>T (p.Pro2181Leu) results in a non-conservative amino acid change in the encoded protein sequence. Algorithms developed to predict the effect of missense changes on protein structure and function are either unavailable or do not agree on the potential impact of this missense change. The variant was absent in 251110 control chromosomes. The available data on variant occurrences in the general population are insufficient to allow any conclusion about variant significance. To our knowledge, no occurrence of c.6542C>T in individuals affected with ANKRD17-related conditions and no experimental evidence demonstrating its impact on protein function have been reported. No submitters have cited clinical-significance assessments for this variant to ClinVar. Based on the evidence outlined above, the variant was classified as uncertain significance.